The following is an entry in ClinVar:

NM_020631.6(PLEKHG5):c.1737G>A (p.Pro579=)

Gene: PLEKHG5 (pleckstrin homology and RhoGEF domain containing G5; minus strand). Cytogenetic location: 1p36.31.
Variant type: single nucleotide variant.
Coding change: c.1737G>A on transcript NM_020631.6 (MANE Select); coding-DNA position 1737, G replaced by A.
Protein change: p.Pro579=; no amino-acid change (proline 579 retained).
Molecular consequence: synonymous variant.
Genome position (GRCh38, 1-based): chr1:6,470,299, C>T on the plus strand (G>A on the coding strand, the complement: PLEKHG5 is on the minus strand). VCF-style: chr1-6470299-C-T. GRCh37 (hg19) VCF-style: chr1-6530359-C-T.
Other names: c.1737G>A (NM_020631.4); c.1848G>A, p.Pro616= (NM_001042663.3, NM_001265592.2); c.1737G>A, p.Pro579= (NM_001042664.2, NM_001042665.2, NM_001265594.3 and 1 more transcripts); c.1944G>A, p.Pro648= (NM_001265593.2).
Identifiers: ClinVar variation 2039206 (VCV002039206.5), dbSNP rs778389781, ClinGen allele CA561387.

ClinVar aggregate classification (germline): Likely benign. Review status: criteria provided, multiple submitters, no conflicts (2 of 4 stars). 2 submissions from 2 submitters: Likely benign (2). Last evaluated 2025-12-03.

Conditions:
Neuronopathy, distal hereditary motor, autosomal recessive 4. Also called: NEUROPATHY, DISTAL HEREDITARY MOTOR, AUTOSOMAL RECESSIVE 4; Autosomal recessive lower motor neuron disease with childhood onset. Identifiers: Orphanet 206580, MedGen C1970211, MONDO:0012608, OMIM 611067.
Charcot-Marie-Tooth disease recessive intermediate C. Also called: CHARCOT-MARIE-TOOTH NEUROPATHY, RECESSIVE INTERMEDIATE C. Identifiers: Orphanet 369867, MedGen C3809309, MONDO:0014154, OMIM 615376.
PLEKHG5-related disorder. Also called: PLEKHG5-related condition.

Allele frequency attached by ClinVar (database versions not stated): gnomAD 0.00002.
gnomAD v4.1: 12 of 1,614,010 alleles (0.00074%); highest among the groups gnomAD compares: East Asian, 0.018%; no homozygotes.

Submissions (2):

PreventionGenetics, part of Exact Sciences
Classification: Likely benign for PLEKHG5-related condition. Last evaluated: 2025-12-03. Review status: criteria provided, single submitter. Criteria: ACMG Guidelines, 2015. Collection method: clinical testing. Allele origin: germline.
Comment: This variant is classified as likely benign based on ACMG/AMP sequence variant interpretation guidelines (Richards et al. 2015 PMID: 25741868, with internal and published modifications).

Labcorp Genetics (formerly Invitae), Labcorp
Classification: Likely benign for Neuronopathy, distal hereditary motor, autosomal recessive 4; Charcot-Marie-Tooth disease recessive intermediate C. Last evaluated: 2024-07-25. Review status: criteria provided, single submitter. Criteria: Invitae Variant Classification Sherloc (09022015). Collection method: clinical testing. Allele origin: germline.